The following is an entry in ClinVar:

NM_006015.6(ARID1A):c.5125-6T>C

Gene: ARID1A (AT-rich interaction domain 1A; plus strand). Cytogenetic location: 1p36.11.
Variant type: single nucleotide variant.
Coding change: c.5125-6T>C on transcript NM_006015.6 (MANE Select); 6 bases into the intron before coding-DNA position 5125, T replaced by C.
Molecular consequence: intron variant.
Genome position (GRCh38, 1-based): chr1:26,779,017, T>C. VCF-style: chr1-26779017-T-C. GRCh37 (hg19) VCF-style: chr1-27105508-T-C.
Other names: c.5125-6T>C (NM_006015.4); c.4474-6T>C (NM_139135.4).
Identifiers: ClinVar variation 2888884 (VCV002888884.5), dbSNP rs766923202, ClinGen allele CA707635.

ClinVar aggregate classification (germline): Likely benign. Review status: criteria provided, single submitter (1 of 4 stars). 2 submissions from 2 submitters: Likely benign (1). 1 of the submissions does not count toward it. Last evaluated 2024-04-25.

Conditions:
ARID1A-related disorder. Also called: ARID1A-related condition.

Allele frequency attached by ClinVar (database versions not stated): gnomAD 0.00001; ExAC 0.00002; gnomAD exomes 0.00002.
gnomAD v4.1: 27 of 1,500,168 alleles (0.0018%); highest among the groups gnomAD compares: Middle Eastern, 0.038%; no homozygotes.

Submissions (2):

Labcorp Genetics (formerly Invitae), Labcorp
Classification: Likely benign. Last evaluated: 2024-04-25. Review status: criteria provided, single submitter. Criteria: Invitae Variant Classification Sherloc (09022015). Collection method: clinical testing. Allele origin: germline.

PreventionGenetics, part of Exact Sciences
Classification: Likely benign for ARID1A-related condition. Last evaluated: 2022-11-05. Review status: no assertion criteria provided. Collection method: clinical testing. Allele origin: germline. Not counted in ClinVar's aggregate classification.
Comment: This variant is classified as likely benign based on ACMG/AMP sequence variant interpretation guidelines (Richards et al. 2015 PMID: 25741868, with internal and published modifications).